The following is an entry in ClinVar:

ClinVar aggregate classification (germline): Pathogenic (1 of 4 stars; one submission).

Conditions:
Lysinuric protein intolerance (LPI). Identifiers: Orphanet 470, MedGen C0268647, MONDO:0009109, OMIM 222700.

Submission:

Labcorp Genetics (formerly Invitae), Labcorp
Classification: Pathogenic for Lysinuric protein intolerance. Last evaluated: 2019-04-01. Review status: criteria provided, single submitter. Criteria: Invitae Variant Classification Sherloc (09022015). Collection method: clinical testing. Allele origin: germline.
Comment: This variant is a gross deletion of the genomic region encompassing exons 4-11 of the SLC7A7 gene. The 5' boundary is likely confined to intron 3. The 3' end of this event is unknown as it extends through the termination codon beyond the assayed region for this gene and may encompass additional genes. While this deletion is not anticipated to result in nonsense mediated decay, it is expected to create a truncated protein product or disrupt mRNA translation. This variant has been observed in an individual with lysinuric protein intolerance (PMID: 18716612). In the literature this variant is also described as c.500-4294_1908+1028del12136 (p.L168_N511delfsX19). This variant disrupts the C-terminus of the SLC7A7 protein. Other variant(s) that disrupt this region (p.Cys487Leufs*32, c.771-848_1908+718del4647) have been determined to be pathogenic (PMID: 10655553, 18716612, Invitae). This suggests that variants that disrupt this region of the protein are likely to be causative of disease. For these reasons, this variant has been classified as Pathogenic.

Literature cited by the submitters: PubMed 10655553; PubMed 18716612.

NC_000014.9:g.(?_22773212)_(22780061_?)del

Gene: SLC7A7 (solute carrier family 7 member 7; minus strand). Cytogenetic location: 14q11.2.
Variant type: Deletion.
Identifiers: ClinVar variation 831197 (VCV000831197.1).